The following is an entry in ClinVar:

ClinVar aggregate classification (germline): Likely benign (0 of 4 stars; one submission).

Conditions:
COPA-related disorder. Also called: COPA-related condition.

Submission:

PreventionGenetics, part of Exact Sciences
Classification: Likely benign for COPA-related condition. Last evaluated: 2022-05-17. Review status: no assertion criteria provided. Collection method: clinical testing. Allele origin: germline.
Comment: This variant is classified as likely benign based on ACMG/AMP sequence variant interpretation guidelines (Richards et al. 2015 PMID: 25741868, with internal and published modifications).

NM_004371.4(COPA):c.2477-7_2477-6insA

Gene: COPA (COPI coat complex subunit alpha; minus strand). Cytogenetic location: 1q23.2.
Variant type: Insertion.
Coding change: c.2477-7_2477-6insA on transcript NM_004371.4 (MANE Select); 7 bases into the intron before coding-DNA position 2477 through 6 bases into the intron before coding-DNA position 2477, A inserted.
Molecular consequence: intron variant.
Genome position: GRCh38 VCF-style: chr1-160294863-G-GT. GRCh37 (hg19) VCF-style: chr1-160264653-G-GT.
Other names: c.2504-7_2504-6insA (NM_001098398.2).
Identifiers: ClinVar variation 3054090 (VCV003054090.2), dbSNP rs2525357646, ClinGen allele CA2648669881.